The following is an entry in ClinVar:

NM_002693.3(POLG):c.2599-24T>C

Gene: POLG (DNA polymerase gamma, catalytic subunit; minus strand). Cytogenetic location: 15q26.1.
Variant type: single nucleotide variant.
Coding change: c.2599-24T>C on transcript NM_002693.3 (MANE Select); 24 bases into the intron before coding-DNA position 2599, T replaced by C.
Molecular consequence: intron variant.
Genome position (GRCh38, 1-based): chr15:89,321,284, A>G on the plus strand (T>C on the coding strand, the complement: POLG is on the minus strand). VCF-style: chr15-89321284-A-G. GRCh37 (hg19) VCF-style: chr15-89864515-A-G.
Other names: c.2599-24T>C (NM_001126131.2).
Identifiers: ClinVar variation 619370 (VCV000619370.1), dbSNP rs368659678, ClinGen allele CA7724399.

ClinVar aggregate classification (germline): Likely benign (1 of 4 stars; one submission).

Conditions:
Progressive sclerosing poliodystrophy (MTDPS4A). Also called: Alpers-Huttenlocher Syndrome (AHS); Alpers Syndrome; ALPERS PROGRESSIVE INFANTILE POLIODYSTROPHY; Mitochondrial DNA depletion syndrome 4A (Alpers type); ALPERS DIFFUSE DEGENERATION OF CEREBRAL GRAY MATTER WITH HEPATIC CIRRHOSIS; Alpers-Huttenlocher Syndrome. Identifiers: Orphanet 726, MedGen C0205710, MONDO:0008758, OMIM 203700.

Allele frequency attached by ClinVar (database versions not stated): gnomAD exomes 0.00002; ExAC 0.00003; gnomAD 0.00007 and 0.00009; ESP Exome Variant Server 0.00008; TOPMed 0.00008.
gnomAD v4.1: 15 of 1,612,928 alleles (0.00093%); highest among the groups gnomAD compares: African/African-American, 0.02%; no homozygotes.

Submission:

Wong Mito Lab, Molecular and Human Genetics, Baylor College of Medicine
Classification: Likely benign for Progressive sclerosing poliodystrophy. Last evaluated: 2018-10-01. Review status: criteria provided, single submitter. Criteria: ACMG Guidelines, 2015. Collection method: clinical testing. Allele origin: germline.
Comment: The NM_002693.2:c.2599-24T>C (NP_002684.1:p.=) [GRCH38: NC_000015.10:g.89321284A>G] variant in POLG gene is interpretated to be a Likely Benign based on ACMG guidelines (PMID: 25741868). This variant meets the following evidence codes reported in the ACMG-guideline. BP4:Computational evidence/predictors indicate no impact on the POLG structure, function, or protein-protein interaction. BP6:Reputable source(s) without shared data suggest the variant is benign. Based on the evidence criteria codes applied, the variant is suggested to be Likely Benign.